The following is an entry in ClinVar:

NM_001009944.3(PKD1):c.8016+7T>C

Gene: PKD1 (polycystin 1, transient receptor potential channel interacting; minus strand). Cytogenetic location: 16p13.3.
Variant type: single nucleotide variant.
Coding change: c.8016+7T>C on transcript NM_001009944.3 (MANE Select); 7 bases into the intron after coding-DNA position 8016, T replaced by C.
Molecular consequence: intron variant.
Genome position (GRCh38, 1-based): chr16:2,105,315, A>G on the plus strand (T>C on the coding strand, the complement: PKD1 is on the minus strand). VCF-style: chr16-2105315-A-G. GRCh37 (hg19) VCF-style: chr16-2155316-A-G.
Other names: c.8016+7T>C (NM_001009944.2, NM_000296.4).
Identifiers: ClinVar variation 811133 (VCV000811133.10), dbSNP rs746089639, ClinGen allele CA7830777.

ClinVar aggregate classification (germline): Likely benign. Review status: criteria provided, multiple submitters, no conflicts (2 of 4 stars). 3 submissions from 3 submitters: Likely benign (2). 1 of the submissions does not count toward it. Last evaluated 2021-11-19.

Conditions:
PKD1-related disorder. Also called: PKD1-related condition.
Polycystic kidney disease, adult type (PKD1). Also called: POLYCYSTIC KIDNEY DISEASE 1 WITH OR WITHOUT POLYCYSTIC LIVER DISEASE; POLYCYSTIC KIDNEY DISEASE, ADULT, TYPE I; Polycystic Kidney, Autosomal Dominant; Polycystic Kidney Disease 1, Autosomal Dominant; Polycystic kidney disease 1; Polycystic kidney disease 1, severe. Identifiers: MedGen C3149841, MONDO:0008263, OMIM 173900.

Allele frequency attached by ClinVar (database versions not stated): ExAC 0.00001; gnomAD exomes 0.00001; TOPMed 0.00004; gnomAD 0.00007 and 0.00008.
gnomAD v4.1: 19 of 1,594,154 alleles (0.0012%); highest among the groups gnomAD compares: African/African-American, 0.02%; no homozygotes.

Submissions (3):

Fulgent Genetics
Classification: Likely benign for Polycystic kidney disease, adult type. Last evaluated: 2021-11-19. Review status: criteria provided, single submitter. Criteria: ACMG Guidelines, 2015. Collection method: clinical testing. Allele origin: unknown.

ARUP Laboratories, Molecular Genetics and Genomics, ARUP Laboratories
Classification: Likely benign for Polycystic kidney disease, adult type. Last evaluated: 2018-09-06. Review status: criteria provided, single submitter. Criteria: ARUP Molecular Germline Variant Investigation Process. Collection method: clinical testing. Allele origin: germline.

PreventionGenetics, part of Exact Sciences
Classification: Likely benign for PKD1-related condition. Last evaluated: 2024-04-12. Review status: no assertion criteria provided. Collection method: clinical testing. Allele origin: germline. Not counted in ClinVar's aggregate classification.
Comment: This variant is classified as likely benign based on ACMG/AMP sequence variant interpretation guidelines (Richards et al. 2015 PMID: 25741868, with internal and published modifications).